The following is an entry in ClinVar:

NM_004629.2(FANCG):c.394C>G (p.Leu132Val)

Gene: FANCG (FA complementation group G; minus strand). Cytogenetic location: 9p13.3.
Variant type: single nucleotide variant.
Coding change: c.394C>G on transcript NM_004629.2 (MANE Select); coding-DNA position 394, C replaced by G.
Protein change: p.Leu132Val; replaces leucine 132 with valine.
Molecular consequence: missense variant.
Genome position (GRCh38, 1-based): chr9:35,078,257, G>C on the plus strand (C>G on the coding strand, the complement: FANCG is on the minus strand). VCF-style: chr9-35078257-G-C. GRCh37 (hg19) VCF-style: chr9-35078254-G-C.
Other names: short protein forms L132V.
Identifiers: ClinVar variation 5036511 (VCV005036511.1).

ClinVar aggregate classification (germline): Uncertain significance (1 of 4 stars; one submission).

Conditions:
Inborn genetic diseases. Identifiers: MedGen C0950123, MeSH D030342.

Submission:

Ambry Genetics
Classification: Uncertain significance for Inborn genetic diseases. Last evaluated: 2026-07-18. Review status: criteria provided, single submitter. Criteria: Ambry Variant Classification Scheme 2023. Collection method: clinical testing. Allele origin: germline.
Comment: The p.L132V variant (also known as c.394C>G), located in coding exon 4 of the FANCG gene, results from a C to G substitution at nucleotide position 394. The leucine at codon 132 is replaced by valine, an amino acid with highly similar properties. This amino acid position is conserved. In addition, this alteration is predicted to be tolerated by in silico analysis. Based on the available evidence, the clinical significance of this variant remains unclear.